The following is an entry in ClinVar:

NM_000111.3(SLC26A3):c.1838T>C (p.Ile613Thr)

Gene: SLC26A3 (solute carrier family 26 member 3; minus strand). Cytogenetic location: 7q22.3.
Variant type: single nucleotide variant.
Coding change: c.1838T>C on transcript NM_000111.3 (MANE Select); coding-DNA position 1838, T replaced by C.
Protein change: p.Ile613Thr; replaces isoleucine 613 with threonine.
Molecular consequence: missense variant.
Genome position (GRCh38, 1-based): chr7:107,774,089, A>G on the plus strand (T>C on the coding strand, the complement: SLC26A3 is on the minus strand). VCF-style: chr7-107774089-A-G. GRCh37 (hg19) VCF-style: chr7-107414534-A-G.
Other names: short protein forms I613T.
Identifiers: ClinVar variation 2049262 (VCV002049262.2), dbSNP rs749006196, ClinGen allele CA4433675.

ClinVar aggregate classification (germline): Uncertain significance. Review status: criteria provided, multiple submitters, no conflicts (2 of 4 stars). 2 submissions from 2 submitters: Uncertain significance (2). Last evaluated 2022-08-17.

Conditions:
Inborn genetic diseases. Identifiers: MedGen C0950123, MeSH D030342.

Allele frequency attached by ClinVar (database versions not stated): gnomAD exomes 0.00001; ExAC 0.00002; TOPMed 0.00002; gnomAD 0.00004.

Submissions (2):

Ambry Genetics
Classification: Uncertain significance for Inborn genetic diseases. Last evaluated: 2022-08-17. Review status: criteria provided, single submitter. Criteria: Ambry Variant Classification Scheme 2023. Collection method: clinical testing. Allele origin: germline.

Labcorp Genetics (formerly Invitae), Labcorp
Classification: Uncertain significance. Last evaluated: 2022-03-18. Review status: criteria provided, single submitter. Criteria: Invitae Variant Classification Sherloc (09022015). Collection method: clinical testing. Allele origin: germline.
Comment: This sequence change replaces isoleucine, which is neutral and non-polar, with threonine, which is neutral and polar, at codon 613 of the SLC26A3 protein (p.Ile613Thr). This variant is present in population databases (rs749006196, gnomAD 0.007%). This variant has not been reported in the literature in individuals affected with SLC26A3-related conditions. Advanced modeling of protein sequence and biophysical properties (such as structural, functional, and spatial information, amino acid conservation, physicochemical variation, residue mobility, and thermodynamic stability) performed at Invitae indicates that this missense variant is not expected to disrupt SLC26A3 protein function. In summary, the available evidence is currently insufficient to determine the role of this variant in disease. Therefore, it has been classified as a Variant of Uncertain Significance.